The following is an entry in ClinVar:

ClinVar aggregate classification (germline): Benign. Review status: criteria provided, multiple submitters, no conflicts (2 of 4 stars). 5 submissions from 5 submitters: Benign (5). Last evaluated 2026-02-02.

Conditions:
Saldino-Mainzer syndrome (SRTD9). Also called: Renal dysplasia, retinal pigmentary dystrophy, cerebellar ataxia and skeletal dysplasia; SHORT-RIB THORACIC DYSPLASIA 9 WITHOUT POLYDACTYLY; CONORENAL SYNDROME; short-rib thoracic dysplasia 9 with or without polydactyly. Identifiers: Orphanet 140969, MedGen C1849437, MONDO:0009964, OMIM 266920.

Allele frequency attached by ClinVar (database versions not stated): gnomAD exomes 0.00211 and 0.00483; ExAC 0.00567; gnomAD 0.01615 and 0.01709; ESP Exome Variant Server 0.01700; TOPMed 0.01849; 1000 Genomes Project 30x 0.01968; 1000 Genomes Project 0.01977.

Submissions (5):

Labcorp Genetics (formerly Invitae), Labcorp
Classification: Benign for Saldino-Mainzer syndrome. Last evaluated: 2026-02-02. Review status: criteria provided, single submitter. Criteria: Invitae Variant Classification Sherloc (09022015). Collection method: clinical testing. Allele origin: germline.

Mayo Clinic Laboratories, Mayo Clinic
Classification: Benign. Last evaluated: 2023-04-03. Review status: criteria provided, single submitter. Criteria: ACMG Guidelines, 2015. Collection method: clinical testing. Allele origin: germline. Observed: 1 variant allele.

GeneDx
Classification: Benign. Last evaluated: 2019-07-09. Review status: criteria provided, single submitter. Criteria: GeneDx Variant Classification Process June 2021. Collection method: clinical testing. Allele origin: germline. Affected: yes.

Illumina Laboratory Services, Illumina
Classification: Benign for Saldino-Mainzer syndrome. Last evaluated: 2018-01-12. Review status: criteria provided, single submitter. Criteria: ICSL Variant Classification Criteria 13 December 2019. Collection method: clinical testing. Allele origin: germline.
Comment: This variant was observed in the ICSL laboratory as part of a predisposition screen in an ostensibly healthy population. It had not been previously curated by ICSL or reported in the Human Gene Mutation Database (HGMD: prior to June 1st, 2018), and was therefore a candidate for classification through an automated scoring system. Utilizing variant allele frequency, disease prevalence and penetrance estimates, and inheritance mode, an automated score was calculated to assess if this variant is too frequent to cause the disease. Based on the score and internal cut-off values, a variant classified as benign is not then subjected to further curation. The score for this variant resulted in a classification of benign for this disease.

Breakthrough Genomics
Classification: Benign. Review status: criteria provided, single submitter. Criteria: ACMG Guidelines, 2015. Collection method: not provided. Allele origin: germline. Inheritance: Autosomal recessive inheritance. Affected: yes.

NM_014714.4(IFT140):c.3743T>C (p.Ile1248Thr)

Gene: IFT140 (intraflagellar transport 140; minus strand). Cytogenetic location: 16p13.3.
Variant type: single nucleotide variant.
Coding change: c.3743T>C on transcript NM_014714.4 (MANE Select); coding-DNA position 3743, T replaced by C.
Protein change: p.Ile1248Thr; replaces isoleucine 1248 with threonine.
Molecular consequence: missense variant.
Genome position (GRCh38, 1-based): chr16:1,520,261, A>G on the plus strand (T>C on the coding strand, the complement: IFT140 is on the minus strand). VCF-style: chr16-1520261-A-G. GRCh37 (hg19) VCF-style: chr16-1570262-A-G.
Other names: p.Ile1248Thr; short protein forms I1248T.
Identifiers: ClinVar variation 317998 (VCV000317998.18), dbSNP rs79494390, ClinGen allele CA7813042.